The following is an entry in ClinVar:

ClinVar aggregate classification (germline): Pathogenic (1 of 4 stars; one submission).

Submission:

Labcorp Genetics (formerly Invitae), Labcorp
Classification: Pathogenic. Last evaluated: 2025-02-28. Review status: criteria provided, single submitter. Criteria: Invitae Variant Classification Sherloc (09022015). Collection method: clinical testing. Allele origin: germline.
Comment: This sequence change creates a premature translational stop signal (p.Val77Glyfs*25) in the ASAH1 gene. It is expected to result in an absent or disrupted protein product. Loss-of-function variants in ASAH1 are known to be pathogenic (PMID: 24164096, 24355074). This variant is not present in population databases (gnomAD no frequency). This variant has not been reported in the literature in individuals affected with ASAH1-related conditions. For these reasons, this variant has been classified as Pathogenic.

Literature cited by the submitters: PubMed 24164096; PubMed 24355074.

NM_177924.5(ASAH1):c.223_229dup (p.Val77fs)

Gene: ASAH1 (N-acylsphingosine amidohydrolase 1; minus strand). Cytogenetic location: 8p22.
Variant type: Duplication.
Coding change: c.223_229dup on transcript NM_177924.5 (MANE Select); coding-DNA positions 223 to 229, 7 bases duplicated (GTTATAG; older notation c.223_229dupGTTATAG).
Protein change: p.Val77fs; shifts the reading frame from valine 77.
Molecular consequence: frameshift variant. On other transcripts: non-coding transcript variant (1), intron variant (1).
Genome position (GRCh38, 1-based): chr8:18,069,866-18,069,872, CTATAAC duplicated on the plus strand (GTTATAG on the coding strand, the reverse complement: ASAH1 is on the minus strand); duplicating any 7 consecutive bases within chr8:18,069,866-18,069,874 gives the same sequence; the c. name uses the placement nearest the transcript's 3' end. VCF-style (leftmost placement, unchanged base first): chr8-18069865-A-ACTATAAC. GRCh37 (hg19) VCF-style: chr8-17927374-A-ACTATAAC.
Other names: c.28_34dup, p.Val12fs (NM_001363743.2); c.271_277dup, p.Val93fs (NM_004315.6); c.285+1428_285+1434dup (NM_001127505.3); short protein forms V77fs, V93fs, V12fs.
Identifiers: ClinVar variation 4714056 (VCV004714056.1).
Genomic context (GRCh38, chr8:18,069,865, plus strand): 5'-ACCACCTGCATAATTTTTCCACTTGGCACGAATGTATTTATCATATTCTTCAGAGAATTC[A>ACTATAAC]CTATAACCTTTAGCTGAAAAATAAATAAAATGCTTACTAAAAGACATAATGAAATGCTGT-3'